The following is an entry in ClinVar:

ClinVar aggregate classification (germline): Uncertain significance. Review status: criteria provided, multiple submitters, no conflicts (2 of 4 stars). 2 submissions from 2 submitters: Uncertain significance (2). Last evaluated 2026-02-02.

Conditions:
CREBBP-related disorder. Also called: CREBBP-related condition; CREBBP-related disorders.
Rubinstein-Taybi syndrome (RSTS). Identifiers: Orphanet 783, MedGen C0035934, MONDO:0019188.

Submissions (2):

PreventionGenetics, part of Exact Sciences
Classification: Uncertain significance for CREBBP-related condition. Last evaluated: 2026-02-02. Review status: criteria provided, single submitter. Criteria: ACMG Guidelines, 2015. Collection method: clinical testing. Allele origin: germline.
Comment: The CREBBP c.6871C>G variant is predicted to result in the amino acid substitution p.Leu2291Val. To our knowledge, this variant has not been reported in the literature or in a large population database (gnomAD), indicating this variant is rare. At this time, the clinical significance of this variant is uncertain due to the absence of conclusive functional and genetic evidence.

Labcorp Genetics (formerly Invitae), Labcorp
Classification: Uncertain significance for Rubinstein-Taybi syndrome. Last evaluated: 2022-09-22. Review status: criteria provided, single submitter. Criteria: Invitae Variant Classification Sherloc (09022015). Collection method: clinical testing. Allele origin: germline.
Comment: In summary, the available evidence is currently insufficient to determine the role of this variant in disease. Therefore, it has been classified as a Variant of Uncertain Significance. Advanced modeling of protein sequence and biophysical properties (such as structural, functional, and spatial information, amino acid conservation, physicochemical variation, residue mobility, and thermodynamic stability) performed at Invitae indicates that this missense variant is not expected to disrupt CREBBP protein function. This variant has not been reported in the literature in individuals affected with CREBBP-related conditions. This variant is not present in population databases (gnomAD no frequency). This sequence change replaces leucine, which is neutral and non-polar, with valine, which is neutral and non-polar, at codon 2291 of the CREBBP protein (p.Leu2291Val).

NM_004380.3(CREBBP):c.6871C>G (p.Leu2291Val)

Gene: CREBBP (CREB binding lysine acetyltransferase; minus strand). Cytogenetic location: 16p13.3.
Variant type: single nucleotide variant.
Coding change: c.6871C>G on transcript NM_004380.3 (MANE Select); coding-DNA position 6871, C replaced by G.
Protein change: p.Leu2291Val; replaces leucine 2291 with valine.
Molecular consequence: missense variant.
Genome position (GRCh38, 1-based): chr16:3,728,176, G>C on the plus strand (C>G on the coding strand, the complement: CREBBP is on the minus strand). VCF-style: chr16-3728176-G-C. GRCh37 (hg19) VCF-style: chr16-3778177-G-C.
Other names: c.6757C>G, p.Leu2253Val (NM_001079846.1); c.6871C>G (NM_004380.2); short protein forms L2253V, L2291V.
Identifiers: ClinVar variation 1718936 (VCV001718936.6), dbSNP rs2151300897, ClinGen allele CA394551452.